The following is an entry in ClinVar:

NM_001848.3(COL6A1):c.1776+13C>T

Gene: COL6A1 (collagen type VI alpha 1 chain; plus strand). Cytogenetic location: 21q22.3.
Variant type: single nucleotide variant.
Coding change: c.1776+13C>T on transcript NM_001848.3 (MANE Select); 13 bases into the intron after coding-DNA position 1776, C replaced by T.
Molecular consequence: intron variant.
Genome position (GRCh38, 1-based): chr21:45,999,705, C>T. VCF-style: chr21-45999705-C-T. GRCh37 (hg19) VCF-style: chr21-47419619-C-T.
Identifiers: ClinVar variation 258293 (VCV000258293.14), dbSNP rs201734661, ClinGen allele CA10070544.

ClinVar aggregate classification (germline): Benign/Likely benign. Review status: criteria provided, multiple submitters, no conflicts (2 of 4 stars). 4 submissions from 4 submitters: Benign (1); Likely benign (3). Last evaluated 2025-10-21.

Conditions:
Collagen 6-related myopathy. Identifiers: MedGen CN117976, MONDO:0100225.
Bethlem myopathy 1A. Also called: MYOPATHY, BENIGN CONGENITAL, WITH CONTRACTURES; Bethlem myopathy 1; Bethlem Muscular Dystrophy. Identifiers: Orphanet 610, MedGen CN029274, MONDO:0024530, OMIM 158810.

Allele frequency attached by ClinVar (database versions not stated): gnomAD exomes 0.00025 and 0.00014; ExAC 0.00029; 1000 Genomes Project 0.00060; 1000 Genomes Project 30x 0.00062; ESP Exome Variant Server 0.00008; TOPMed 0.00010.
gnomAD v4.1: 225 of 1,609,992 alleles (0.014%); highest among the groups gnomAD compares: South Asian, 0.14%; 5 homozygotes.

Submissions (4):

Labcorp Genetics (formerly Invitae), Labcorp
Classification: Benign for Bethlem myopathy 1A. Last evaluated: 2025-10-21. Review status: criteria provided, single submitter. Criteria: Invitae Variant Classification Sherloc (09022015). Collection method: clinical testing. Allele origin: germline.

Blueprint Genetics
Classification: Likely benign. Last evaluated: 2024-07-09. Review status: criteria provided, single submitter. Criteria: ACMG Guidelines, 2015. Collection method: clinical testing. Allele origin: germline.

Illumina Laboratory Services, Illumina
Classification: Likely benign for Collagen VI-related myopathy. Last evaluated: 2017-04-27. Review status: criteria provided, single submitter. Criteria: ICSL Variant Classification Criteria 13 December 2019. Collection method: clinical testing. Allele origin: germline.
Comment: This variant was observed as part of a predisposition screen in an ostensibly healthy population. A literature search was performed for the gene, cDNA change, and amino acid change (where applicable). No publications were found based on this search. Allele frequency data from public databases allowed determination this variant is unlikely to cause disease. Therefore, this variant is classified as likely benign.

PreventionGenetics, part of Exact Sciences
Classification: Likely benign. Review status: criteria provided, single submitter. Criteria: ACMG Guidelines, 2015. Collection method: clinical testing. Allele origin: germline.